The following is an entry in ClinVar:

ClinVar aggregate classification (germline): Uncertain significance (1 of 4 stars; one submission).

gnomAD v4.1: 2 of 1,614,128 alleles (0.00012%); highest among the groups gnomAD compares: African/African-American, 0.0027%; no homozygotes.

Submission:

Labcorp Genetics (formerly Invitae), Labcorp
Classification: Uncertain significance. Last evaluated: 2025-06-12. Review status: criteria provided, single submitter. Criteria: Invitae Variant Classification Sherloc (09022015). Collection method: clinical testing. Allele origin: germline.
Comment: This sequence change replaces glutamic acid, which is acidic and polar, with aspartic acid, which is acidic and polar, at codon 979 of the DLC1 protein (p.Glu979Asp). This variant is not present in population databases (gnomAD no frequency). This variant has not been reported in the literature in individuals affected with DLC1-related conditions. ClinVar contains an entry for this variant (Variation ID: 3687987). An algorithm developed to predict the effect of missense changes on protein structure and function outputs the following: PolyPhen-2: "Benign". The aspartic acid amino acid residue is found in multiple mammalian species, which suggests that this missense change does not adversely affect protein function. In summary, the available evidence is currently insufficient to determine the role of this variant in disease. Therefore, it has been classified as a Variant of Uncertain Significance.

NM_182643.3(DLC1):c.2937G>C (p.Glu979Asp)

Gene: DLC1 (DLC1 Rho GTPase activating protein; minus strand). Cytogenetic location: 8p22.
Variant type: single nucleotide variant.
Coding change: c.2937G>C on transcript NM_182643.3 (MANE Select); coding-DNA position 2937, G replaced by C.
Protein change: p.Glu979Asp; replaces glutamic acid 979 with aspartic acid.
Molecular consequence: missense variant.
Genome position (GRCh38, 1-based): chr8:13,099,400, C>G on the plus strand (G>C on the coding strand, the complement: DLC1 is on the minus strand). VCF-style: chr8-13099400-C-G. GRCh37 (hg19) VCF-style: chr8-12956909-C-G.
Other names: c.1404G>C, p.Glu468Asp (NM_001164271.2, NM_001348082.2, NM_001348083.1 and 6 more transcripts); c.1728G>C, p.Glu576Asp (NM_001316668.2, NM_001413129.1); c.2937G>C, p.Glu979Asp (NM_001348081.2, NM_001413124.1); c.1719G>C, p.Glu573Asp (NM_001413130.1); c.1377G>C, p.Glu459Asp (NM_001413131.1, NM_001413137.1); c.1863G>C, p.Glu621Asp (NM_001413132.1); c.1626G>C, p.Glu542Asp (NM_001413135.1, NM_001413136.1, NM_001413139.1 and 1 more transcripts); c.1761G>C, p.Glu587Asp (NM_001413140.1); short protein forms E468D, E573D, E587D, E459D, E542D, E621D, E576D, E979D.
Identifiers: ClinVar variation 3687987 (VCV003687987.2).